The following is an entry in ClinVar:

NM_001271.4(CHD2):c.2144A>C (p.Gln715Pro)

Gene: CHD2 (chromodomain helicase DNA binding protein 2; plus strand). Cytogenetic location: 15q26.1.
Variant type: single nucleotide variant.
Coding change: c.2144A>C on transcript NM_001271.4 (MANE Select); coding-DNA position 2144, A replaced by C.
Protein change: p.Gln715Pro; replaces glutamine 715 with proline.
Molecular consequence: missense variant.
Genome position (GRCh38, 1-based): chr15:92,967,468, A>C. VCF-style: chr15-92967468-A-C. GRCh37 (hg19) VCF-style: chr15-93510698-A-C.
Other names: short protein forms Q715P.
Identifiers: ClinVar variation 4292937 (VCV004292937.1).

ClinVar aggregate classification (germline): Uncertain significance (1 of 4 stars; one submission).

Conditions:
Developmental and epileptic encephalopathy 94 (DEE94). Also called: CHD2-Related Neurodevelopmental Disorders; Epileptic encephalopathy, childhood-onset. Identifiers: Orphanet 1942, Orphanet 2382, MedGen C3809278, MONDO:0014150, OMIM 615369.

Submission:

3billion
Classification: Uncertain significance for Developmental and epileptic encephalopathy 94. Last evaluated: 2025-02-07. Review status: criteria provided, single submitter. Criteria: ACMG Guidelines, 2015. Collection method: clinical testing. Allele origin: germline. Affected: yes.
Comment: The variant is not observed in the gnomAD v4.1.0 dataset. Predicted Consequence/Location: Missense variant In silico tool predictions suggest damaging effect of the variant on gene or gene product [REVEL: 0.86 (>=0.6, sensitivity 0.68 and specificity 0.92)]. Therefore, this variant is classified as VUS according to the recommendation of ACMG/AMP guideline.